The following is an entry in ClinVar:

ClinVar aggregate classification (germline): Uncertain significance. Review status: criteria provided, multiple submitters, no conflicts (2 of 4 stars). 3 submissions from 3 submitters: Uncertain significance (3). Last evaluated 2026-05-06.

Conditions:
Bardet-Biedl syndrome 2 (BBS2). Identifiers: Orphanet 110, MedGen C2936863, MONDO:0014432, OMIM 615981.
Retinitis pigmentosa 74 (RP74). Identifiers: Orphanet 791, MedGen C4225281, MONDO:0014692, OMIM 616562.
Bardet-Biedl syndrome (BBS). Identifiers: Orphanet 110, MedGen C0752166, MONDO:0015229.
BBS2-related disorder. Also called: BBS2-related condition; BBS2-related disorders. Identifiers: MedGen CN239228.

Allele frequency attached by ClinVar (database versions not stated): TOPMed 0.00001.

Submissions (3):

PreventionGenetics, part of Exact Sciences
Classification: Uncertain significance for BBS2-related condition. Last evaluated: 2026-05-06. Review status: criteria provided, single submitter. Criteria: ACMG Guidelines, 2015. Collection method: clinical testing. Allele origin: germline.
Comment: The BBS2 c.1112A>T variant is predicted to result in the amino acid substitution p.Asp371Val. To our knowledge, this variant has not been reported in the literature or in a large population database (gnomAD), indicating this variant is rare. At this time, the clinical significance of this variant is uncertain due to the absence of conclusive functional and genetic evidence.

Fulgent Genetics
Classification: Uncertain significance for Bardet-Biedl syndrome 2; Retinitis pigmentosa 74. Last evaluated: 2024-03-01. Review status: criteria provided, single submitter. Criteria: ACMG Guidelines, 2015. Collection method: clinical testing. Allele origin: germline.

Labcorp Genetics (formerly Invitae), Labcorp
Classification: Uncertain significance for Bardet-Biedl syndrome. Last evaluated: 2022-09-13. Review status: criteria provided, single submitter. Criteria: Invitae Variant Classification Sherloc (09022015). Collection method: clinical testing. Allele origin: germline.
Comment: This sequence change replaces aspartic acid, which is acidic and polar, with valine, which is neutral and non-polar, at codon 371 of the BBS2 protein (p.Asp371Val). This variant is not present in population databases (gnomAD no frequency). This variant has not been reported in the literature in individuals affected with BBS2-related conditions. ClinVar contains an entry for this variant (Variation ID: 1035638). Advanced modeling of protein sequence and biophysical properties (such as structural, functional, and spatial information, amino acid conservation, physicochemical variation, residue mobility, and thermodynamic stability) performed at Invitae indicates that this missense variant is not expected to disrupt BBS2 protein function. In summary, the available evidence is currently insufficient to determine the role of this variant in disease. Therefore, it has been classified as a Variant of Uncertain Significance.

NM_031885.5(BBS2):c.1112A>T (p.Asp371Val)

Gene: BBS2 (Bardet-Biedl syndrome 2; minus strand). Cytogenetic location: 16q13.
Variant type: single nucleotide variant.
Coding change: c.1112A>T on transcript NM_031885.5 (MANE Select); coding-DNA position 1112, A replaced by T.
Protein change: p.Asp371Val; replaces aspartic acid 371 with valine.
Molecular consequence: missense variant. On other transcripts: non-coding transcript variant (5).
Genome position (GRCh38, 1-based): chr16:56,501,466, T>A on the plus strand (A>T on the coding strand, the complement: BBS2 is on the minus strand). VCF-style: chr16-56501466-T-A. GRCh37 (hg19) VCF-style: chr16-56535378-T-A.
Other names: c.1112A>T, p.Asp371Val (NM_001377456.1); c.1112A>T (NM_031885.3); short protein forms D371V.
Identifiers: ClinVar variation 1035638 (VCV001035638.9), dbSNP rs1366351316, ClinGen allele CA395980133.